The following is an entry in ClinVar:

ClinVar aggregate classification (germline): Uncertain significance (1 of 4 stars; one submission).

gnomAD v4.1: 1 of 1,570,324 alleles (0.000064%); highest among the groups gnomAD compares: Non-Finnish European, 0.000086%; no homozygotes.

Submission:

Labcorp Genetics (formerly Invitae), Labcorp
Classification: Uncertain significance. Last evaluated: 2024-10-08. Review status: criteria provided, single submitter. Criteria: Invitae Variant Classification Sherloc (09022015). Collection method: clinical testing. Allele origin: germline.
Comment: This sequence change replaces arginine, which is basic and polar, with glycine, which is neutral and non-polar, at codon 184 of the TNNI3K protein (p.Arg184Gly). This variant is not present in population databases (gnomAD no frequency). This variant has not been reported in the literature in individuals affected with TNNI3K-related conditions. Invitae Evidence Modeling of protein sequence and biophysical properties (such as structural, functional, and spatial information, amino acid conservation, physicochemical variation, residue mobility, and thermodynamic stability) indicates that this missense variant is not expected to disrupt TNNI3K protein function with a negative predictive value of 80%. In summary, the available evidence is currently insufficient to determine the role of this variant in disease. Therefore, it has been classified as a Variant of Uncertain Significance.

NM_015978.3(TNNI3K):c.550C>G (p.Arg184Gly)

Genes: FPGT-TNNI3K (FPGT-TNNI3K readthrough; plus strand), TNNI3K (TNNI3 interacting kinase; plus strand). Cytogenetic location: 1p31.1.
Variant type: single nucleotide variant.
Coding change: c.550C>G on transcript NM_015978.3 (MANE Select); coding-DNA position 550, C replaced by G.
Protein change: p.Arg184Gly; replaces arginine 184 with glycine.
Molecular consequence: missense variant.
Genome position (GRCh38, 1-based): chr1:74,336,017, C>G. VCF-style: chr1-74336017-C-G. GRCh37 (hg19) VCF-style: chr1-74801701-C-G.
Other names: c.853C>G, p.Arg285Gly (NM_001112808.3, NM_001199327.2); short protein forms R285G, R184G.
Identifiers: ClinVar variation 3666306 (VCV003666306.2).